The following is an entry in ClinVar:

ClinVar aggregate classification (germline): Uncertain significance (1 of 4 stars; one submission).

Submission:

Labcorp Genetics (formerly Invitae), Labcorp
Classification: Uncertain significance. Last evaluated: 2024-09-28. Review status: criteria provided, single submitter. Criteria: Invitae Variant Classification Sherloc (09022015). Collection method: clinical testing. Allele origin: germline.
Comment: This sequence change replaces lysine, which is basic and polar, with glutamic acid, which is acidic and polar, at codon 412 of the MYH7B protein (p.Lys412Glu). This variant is not present in population databases (gnomAD no frequency). This variant has not been reported in the literature in individuals affected with MYH7B-related conditions. Invitae Evidence Modeling of protein sequence and biophysical properties (such as structural, functional, and spatial information, amino acid conservation, physicochemical variation, residue mobility, and thermodynamic stability) has been performed for this missense variant. However, the output from this modeling did not meet the statistical confidence thresholds required to predict the impact of this variant on MYH7B protein function. In summary, the available evidence is currently insufficient to determine the role of this variant in disease. Therefore, it has been classified as a Variant of Uncertain Significance.

NM_020884.7(MYH7B):c.1108A>G (p.Lys370Glu)

Gene: MYH7B (myosin heavy chain 7B; plus strand). Cytogenetic location: 20q11.22.
Variant type: single nucleotide variant.
Coding change: c.1108A>G on transcript NM_020884.7 (MANE Select); coding-DNA position 1108, A replaced by G.
Protein change: p.Lys370Glu; replaces lysine 370 with glutamic acid.
Molecular consequence: missense variant.
Genome position (GRCh38, 1-based): chr20:34,987,248, A>G. VCF-style: chr20-34987248-A-G. GRCh37 (hg19) VCF-style: chr20-33575051-A-G.
Other names: short protein forms K370E.
Identifiers: ClinVar variation 3667107 (VCV003667107.2).